The following is an entry in ClinVar:

ClinVar aggregate classification (germline): Uncertain significance. Review status: criteria provided, multiple submitters, no conflicts (2 of 4 stars). 2 submissions from 2 submitters: Uncertain significance (2). Last evaluated 2023-12-26.

Conditions:
Inborn genetic diseases. Identifiers: MedGen C0950123, MeSH D030342.
Methylcobalamin deficiency type cblE (HMAE). Also called: VITAMIN B12-RESPONSIVE HOMOCYSTINURIA, cblE TYPE; HOMOCYSTINURIA-MEGALOBLASTIC ANEMIA, cblE COMPLEMENTATION TYPE; HOMOCYSTINURIA-MEGALOBLASTIC ANEMIA, cblE TYPE. Identifiers: Orphanet 2169, Orphanet 622, MedGen C1856057, MONDO:0009354, OMIM 236270.

Allele frequency attached by ClinVar (database versions not stated): gnomAD exomes below 0.00001; gnomAD 0.00001; ExAC 0.00002; TOPMed 0.00002.
gnomAD v4.1: 3 of 1,614,050 alleles (0.00019%); highest among the groups gnomAD compares: African/African-American, 0.004%; no homozygotes.

Submissions (2):

Ambry Genetics
Classification: Uncertain significance for Inborn genetic diseases. Last evaluated: 2023-12-26. Review status: criteria provided, single submitter. Criteria: Ambry Variant Classification Scheme 2023. Collection method: clinical testing. Allele origin: germline.

Labcorp Genetics (formerly Invitae), Labcorp
Classification: Uncertain significance for Methylcobalamin deficiency type cblE. Last evaluated: 2023-08-10. Review status: criteria provided, single submitter. Criteria: Invitae Variant Classification Sherloc (09022015). Collection method: clinical testing. Allele origin: germline.
Comment: In summary, the available evidence is currently insufficient to determine the role of this variant in disease. Therefore, it has been classified as a Variant of Uncertain Significance. Advanced modeling of protein sequence and biophysical properties (such as structural, functional, and spatial information, amino acid conservation, physicochemical variation, residue mobility, and thermodynamic stability) performed at Invitae indicates that this missense variant is not expected to disrupt MTRR protein function. ClinVar contains an entry for this variant (Variation ID: 2068760). This variant has not been reported in the literature in individuals affected with MTRR-related conditions. This variant is present in population databases (rs751400453, gnomAD 0.01%). This sequence change replaces alanine, which is neutral and non-polar, with glycine, which is neutral and non-polar, at codon 9 of the MTRR protein (p.Ala9Gly).

NM_002454.3(MTRR):c.26C>G (p.Ala9Gly)

Gene: MTRR (5-methyltetrahydrofolate-homocysteine methyltransferase reductase; plus strand). Cytogenetic location: 5p15.31.
Variant type: single nucleotide variant.
Coding change: c.26C>G on transcript NM_002454.3 (MANE Select); coding-DNA position 26, C replaced by G.
Protein change: p.Ala9Gly; replaces alanine 9 with glycine.
Molecular consequence: missense variant. On other transcripts: non-coding transcript variant (14).
Genome position (GRCh38, 1-based): chr5:7,870,820, C>G. VCF-style: chr5-7870820-C-G. GRCh37 (hg19) VCF-style: chr5-7870933-C-G.
Other names: c.26C>G, p.Ala9Gly (NM_001364440.2, NM_001364441.2, NM_001364442.2 and 1 more transcripts); c.26C>G (NM_002454.2); short protein forms A9G.
Identifiers: ClinVar variation 2068760 (VCV002068760.4), dbSNP rs751400453, ClinGen allele CA3195457.
Genomic context (GRCh38, chr5:7,870,820, plus strand): 5'-CATTTTTCAGTTTCACTGTTACATGCCTTGAAGTGATGAGGAGGTTTCTGTTACTATATG[C>G]TACACAGCAGGGACAGGCAAAGGCCATCGCAGAAGAAATATGTGAGCAAGCTGTGGTACA-3'
Protein context (NP_002445.2, residues 1-19): MRRFLLLY[Ala9Gly]TQQGQAKAIA